The following is an entry in ClinVar:

ClinVar aggregate classification (germline): Uncertain significance (1 of 4 stars; one submission).

Conditions:
Cardiovascular phenotype. Identifiers: MedGen CN230736.

Submission:

Ambry Genetics
Classification: Uncertain significance for Cardiovascular phenotype. Last evaluated: 2024-02-22. Review status: criteria provided, single submitter. Criteria: Ambry Variant Classification Scheme 2023. Collection method: clinical testing. Allele origin: germline.
Comment: The p.C85Y variant (also known as c.254G>A), located in coding exon 3 of the VCL gene, results from a G to A substitution at nucleotide position 254. The cysteine at codon 85 is replaced by tyrosine, an amino acid with highly dissimilar properties. This amino acid position is conserved. In addition, the in silico prediction for this alteration is inconclusive. Based on the available evidence, the clinical significance of this alteration remains unclear.

NM_014000.3(VCL):c.254G>A (p.Cys85Tyr)

Gene: VCL (vinculin; plus strand). Cytogenetic location: 10q22.2.
Variant type: single nucleotide variant.
Coding change: c.254G>A on transcript NM_014000.3 (MANE Select); coding-DNA position 254, G replaced by A.
Protein change: p.Cys85Tyr; replaces cysteine 85 with tyrosine.
Molecular consequence: missense variant.
Genome position (GRCh38, 1-based): chr10:74,070,684, G>A. VCF-style: chr10-74070684-G-A. GRCh37 (hg19) VCF-style: chr10-75830442-G-A.
Other names: c.254G>A, p.Cys85Tyr (NM_003373.4); short protein forms C85Y.
Identifiers: ClinVar variation 3226292 (VCV003226292.1), dbSNP rs1017527931, ClinGen allele CA377265689.